The following is an entry in ClinVar:

NM_000388.4(CASR):c.721G>A (p.Glu241Lys)

Gene: CASR (calcium sensing receptor; plus strand). Cytogenetic location: 3q21.1.
Variant type: single nucleotide variant.
Coding change: c.721G>A on transcript NM_000388.4 (MANE Select); coding-DNA position 721, G replaced by A.
Protein change: p.Glu241Lys; replaces glutamic acid 241 with lysine.
Molecular consequence: missense variant.
Genome position (GRCh38, 1-based): chr3:122,261,756, G>A. VCF-style: chr3-122261756-G-A. GRCh37 (hg19) VCF-style: chr3-121980603-G-A.
Other names: c.721G>A, p.Glu241Lys (NM_001178065.2); short protein forms E241K.
Identifiers: ClinVar variation 1351522 (VCV001351522.9), dbSNP rs2107632158, ClinGen allele CA354151209.

ClinVar aggregate classification (germline): Conflicting classifications of pathogenicity. Review status: criteria provided, conflicting classifications (1 of 4 stars). 2 submissions from 2 submitters: Likely pathogenic (1); Uncertain significance (1). Last evaluated 2024-05-20.

Conditions:
Autosomal dominant hypocalcemia 1 (HYPOC1). Also called: HYPOCALCEMIA, FAMILIAL. Identifiers: MedGen C3715128, MONDO:0011013, OMIM 601198.
Familial hypocalciuric hypercalcemia (FHH). Also called: Familial benign hypercalcemia. Identifiers: Orphanet 405, MedGen C1809471, MONDO:0018458.
Epilepsy, idiopathic generalized, susceptibility to, 8. Identifiers: MedGen C2752062, MONDO:0013032, OMIM 612899.
Familial hypocalciuric hypercalcemia 1. Also called: Hypercalcemia, familial benign type 1. Identifiers: Orphanet 405, Orphanet 93372, MedGen C0342637, MONDO:0007791, OMIM 145980.
Neonatal severe primary hyperparathyroidism. Identifiers: Orphanet 417, MedGen C1832615, MONDO:0009397, OMIM 239200.

Submissions (2):

Fulgent Genetics
Classification: Likely pathogenic for Familial hypocalciuric hypercalcemia 1; Neonatal severe primary hyperparathyroidism; Autosomal dominant hypocalcemia 1; Epilepsy, idiopathic generalized, susceptibility to, 8. Last evaluated: 2024-05-20. Review status: criteria provided, single submitter. Criteria: ACMG Guidelines, 2015. Collection method: clinical testing. Allele origin: germline.

Labcorp Genetics (formerly Invitae), Labcorp
Classification: Uncertain significance for Familial hypocalciuric hypercalcemia; Autosomal dominant hypocalcemia 1. Last evaluated: 2023-10-03. Review status: criteria provided, single submitter. Criteria: Invitae Variant Classification Sherloc (09022015). Collection method: clinical testing. Allele origin: germline.
Comment: This sequence change replaces glutamic acid, which is acidic and polar, with lysine, which is basic and polar, at codon 241 of the CASR protein (p.Glu241Lys). This variant is not present in population databases (gnomAD no frequency). This missense change has been observed in individual(s) with clinical features of hypocalcaemic hypercalciuria (PMID: 22422767, 23169696, 32775520). ClinVar contains an entry for this variant (Variation ID: 1351522). An algorithm developed to predict the effect of missense changes on protein structure and function (PolyPhen-2) suggests that this variant is likely to be tolerated. Experimental studies have shown that this missense change affects CASR function (PMID: 23169696). In summary, the available evidence is currently insufficient to determine the role of this variant in disease. Therefore, it has been classified as a Variant of Uncertain Significance.

Literature cited by the submitters: PubMed 22422767 (cited by Labcorp Genetics (formerly Invitae), Labcorp); PubMed 23169696 (cited by Labcorp Genetics (formerly Invitae), Labcorp); PubMed 32775520 (cited by Labcorp Genetics (formerly Invitae), Labcorp).